The following is an entry in ClinVar:

NM_207361.6(FREM2):c.3116T>A (p.Met1039Lys)

Gene: FREM2 (FRAS1 related extracellular matrix 2; plus strand). Cytogenetic location: 13q13.3.
Variant type: single nucleotide variant.
Coding change: c.3116T>A on transcript NM_207361.6 (MANE Select); coding-DNA position 3116, T replaced by A.
Protein change: p.Met1039Lys; replaces methionine 1039 with lysine.
Molecular consequence: missense variant.
Genome position (GRCh38, 1-based): chr13:38,690,460, T>A. VCF-style: chr13-38690460-T-A. GRCh37 (hg19) VCF-style: chr13-39264597-T-A.
Other names: short protein forms M1039K.
Identifiers: ClinVar variation 235588 (VCV000235588.17), dbSNP rs2496424, ClinGen allele CA6954739.

ClinVar aggregate classification (germline): Benign. Review status: criteria provided, multiple submitters, no conflicts (2 of 4 stars). 5 submissions from 5 submitters: Benign (5). Last evaluated 2026-02-02.

Conditions:
Fraser syndrome 2 (FRASRS2). Identifiers: MedGen C4540036, MONDO:0054738, OMIM 617666.

Allele frequency attached by ClinVar (database versions not stated): gnomAD exomes 0.00418; ExAC 0.00516; gnomAD 0.01608; TOPMed 0.01777; ESP Exome Variant Server 0.01807; 1000 Genomes Project 0.02137; 1000 Genomes Project 30x 0.02358.

Submissions (5):

Labcorp Genetics (formerly Invitae), Labcorp
Classification: Benign. Last evaluated: 2026-02-02. Review status: criteria provided, single submitter. Criteria: Invitae Variant Classification Sherloc (09022015). Collection method: clinical testing. Allele origin: germline.

GeneDx
Classification: Benign. Last evaluated: 2021-06-09. Review status: criteria provided, single submitter. Criteria: GeneDx Variant Classification Process June 2021. Collection method: clinical testing. Allele origin: germline. Affected: yes.

Illumina Laboratory Services, Illumina
Classification: Benign for Fraser syndrome 2. Last evaluated: 2018-01-13. Review status: criteria provided, single submitter. Criteria: ICSL Variant Classification Criteria 13 December 2019. Collection method: clinical testing. Allele origin: germline.
Comment: This variant was observed in the ICSL laboratory as part of a predisposition screen in an ostensibly healthy population. It had not been previously curated by ICSL or reported in the Human Gene Mutation Database (HGMD: prior to June 1st, 2018), and was therefore a candidate for classification through an automated scoring system. Utilizing variant allele frequency, disease prevalence and penetrance estimates, and inheritance mode, an automated score was calculated to assess if this variant is too frequent to cause the disease. Based on the score and internal cut-off values, a variant classified as benign is not then subjected to further curation. The score for this variant resulted in a classification of benign for this disease.

Center for Pediatric Genomic Medicine, Children's Mercy Hospital and Clinics
Classification: Benign. Last evaluated: 2015-06-04. Review status: criteria provided, single submitter. Criteria: ACMG Guidelines, 2015. Collection method: clinical testing. Allele origin: germline.

Breakthrough Genomics
Classification: Benign. Review status: criteria provided, single submitter. Criteria: ACMG Guidelines, 2015. Collection method: not provided. Allele origin: germline. Inheritance: Autosomal recessive inheritance. Affected: yes.